The following is an entry in ClinVar:

ClinVar aggregate classification (germline): Uncertain significance (1 of 4 stars; one submission).

Allele frequency attached by ClinVar (database versions not stated): ESP Exome Variant Server 0.00008; gnomAD 0.00001; gnomAD exomes 0.00001; TOPMed 0.00002; ExAC 0.00002.

Submission:

GeneDx
Classification: Uncertain significance. Last evaluated: 2018-02-14. Review status: criteria provided, single submitter. Criteria: GeneDx Variant Classification (06012015). Collection method: clinical testing. Allele origin: germline. Affected: yes.
Comment: The R127X variant in the NME8 gene has not been reported previously as a pathogenic variant nor as a benign variant, to our knowledge. This variant is predicted to cause loss of normal protein function either through protein truncation or nonsense-mediated mRNA decay, however, loss-of-function is not a known mechanism of disease for the NME8 gene. The R127X variant is not observed in large population cohorts (Lek et al., 2016). We interpret R127X as a variant of uncertain significance.

NM_016616.5(NME8):c.379C>T (p.Arg127Ter)

Gene: NME8 (NME/NM23 family member 8; plus strand). Cytogenetic location: 7p14.1.
Variant type: single nucleotide variant.
Coding change: c.379C>T on transcript NM_016616.5 (MANE Select); coding-DNA position 379, C replaced by T.
Protein change: p.Arg127Ter; replaces arginine 127 with a stop codon.
Molecular consequence: nonsense.
Genome position (GRCh38, 1-based): chr7:37,862,136, C>T. VCF-style: chr7-37862136-C-T. GRCh37 (hg19) VCF-style: chr7-37901738-C-T.
Other names: short protein forms R127*.
Identifiers: ClinVar variation 504255 (VCV000504255.2), dbSNP rs374907632, ClinGen allele CA4222157.